The following is an entry in ClinVar:

NM_007294.4(BRCA1):c.5390C>A (p.Ser1797Ter)

Gene: BRCA1 (BRCA1 DNA repair associated; minus strand). Cytogenetic location: 17q21.31.
Variant type: single nucleotide variant.
Coding change: c.5390C>A on transcript NM_007294.4 (MANE Select); coding-DNA position 5390, C replaced by A.
Protein change: p.Ser1797Ter; replaces serine 1797 with a stop codon.
Molecular consequence: nonsense. On other transcripts: non-coding transcript variant (1), intron variant (1).
Genome position (GRCh38, 1-based): chr17:43,049,137, G>T on the plus strand (C>A on the coding strand, the complement: BRCA1 is on the minus strand). VCF-style: chr17-43049137-G-T. GRCh37 (hg19) VCF-style: chr17-41201154-G-T.
Other names: c.5177C>A, p.Ser1726Ter (NM_001407571.1, NM_001407894.1, NM_001407908.1 and 12 more transcripts); c.5456C>A, p.Ser1819Ter (NM_001407581.1, NM_001407582.1); c.5453C>A, p.Ser1818Ter (NM_001407583.1, NM_001407585.1, NM_001407587.1 and 1 more transcripts); c.5450C>A, p.Ser1817Ter (NM_001407590.1, NM_001407591.1); c.5390C>A, p.Ser1797Ter (NM_001407593.1, NM_001407594.1, NM_001407596.1 and 5 more transcripts); c.5387C>A, p.Ser1796Ter (NM_001407610.1, NM_001407611.1, NM_001407612.1 and 14 more transcripts); c.5384C>A, p.Ser1795Ter (NM_001407628.1, NM_001407629.1, NM_001407630.1 and 13 more transcripts); c.5333C>A, p.Ser1778Ter (NM_001407648.1); and 73 more; short protein forms S1797*, S1750*, S1818*, S693*, S1500*, S1501*, S1670*, S1709*.
Identifiers: ClinVar variation 491173 (VCV000491173.6), dbSNP rs879255492, ClinGen allele CA10590695.

ClinVar aggregate classification (germline): Pathogenic (1 of 4 stars; one submission).

Conditions:
Hereditary cancer-predisposing syndrome. Also called: Tumor predisposition; Hereditary Cancer Syndrome; Hereditary neoplastic syndrome; Neoplastic Syndromes, Hereditary. Identifiers: Orphanet 140162, MedGen C0027672, MeSH D009386, MONDO:0015356.

Allele frequency attached by ClinVar (database versions not stated): gnomAD below 0.00001 and 0.00001.
gnomAD v4.1: 1 of 1,614,016 alleles (0.000062%); highest among the groups gnomAD compares: South Asian, 0.0011%; no homozygotes.

Submissions (2):

Color Diagnostics, LLC DBA Color Health
Classification: Pathogenic for Hereditary cancer-predisposing syndrome. Last evaluated: 2021-04-12. Review status: criteria provided, single submitter. Criteria: ACMG Guidelines, 2015. Collection method: clinical testing. Allele origin: germline.
Comment: This variant changes 1 nucleotide in exon 21 of the BRCA1 gene, creating a premature translation stop signal. This variant is expected to result in an absent or non-functional protein product. This variant has been reported in an individuals affected with triple-negative breast cancer and ovarian cancer (Mansouri 2020, DOI: 10.1002/prm2.12009). This variant has not been identified in the general population by the Genome Aggregation Database (gnomAD). Loss of BRCA1 function is a known mechanism of disease. Based on the available evidence, this variant is classified as Pathogenic.

Brotman Baty Institute, University of Washington
No classification provided (evidence only). Condition: Breast-ovarian cancer, familial 1. Review status: no classification provided. Collection method: in vitro. Allele origin: not applicable. Functional consequence: functionally_abnormal. Not counted in ClinVar's aggregate classification.
ClinVar note: "not provided" was previously submitted as the classification for the variant. However, the classification appeared to be based only on an observation of functional data so it was converted to no classification on 2025-07-30.